The following is an entry in ClinVar:

NM_004006.3(DMD):c.2537C>A (p.Thr846Lys)

Gene: DMD (dystrophin; minus strand). Cytogenetic location: Xp21.1.
Variant type: single nucleotide variant.
Coding change: c.2537C>A on transcript NM_004006.3 (MANE Select); coding-DNA position 2537, C replaced by A.
Protein change: p.Thr846Lys; replaces threonine 846 with lysine.
Molecular consequence: missense variant.
Genome position (GRCh38, 1-based): chrX:32,491,362, G>T on the plus strand (C>A on the coding strand, the complement: DMD is on the minus strand). VCF-style: chrX-32491362-G-T. GRCh37 (hg19) VCF-style: chrX-32509479-G-T.
Other names: c.2513C>A, p.Thr838Lys (NM_000109.4); c.2525C>A, p.Thr842Lys (NM_004009.3); c.2168C>A, p.Thr723Lys (NM_004010.3); short protein forms T723K, T838K, T842K, T846K.
Identifiers: ClinVar variation 4842494 (VCV004842494.1).

ClinVar aggregate classification (germline): Uncertain significance (1 of 4 stars; one submission).

Conditions:
Cardiovascular phenotype. Identifiers: MedGen CN230736.

Submission:

Ambry Genetics
Classification: Uncertain significance for Cardiovascular phenotype. Last evaluated: 2025-12-19. Review status: criteria provided, single submitter. Criteria: Ambry Variant Classification Scheme 2023. Collection method: clinical testing. Allele origin: germline.
Comment: The p.T846K variant (also known as c.2537C>A), located in coding exon 20 of the DMD gene, results from a C to A substitution at nucleotide position 2537. The threonine at codon 846 is replaced by lysine, an amino acid with similar properties. This amino acid position is conserved. In addition, this alteration is predicted to be tolerated by in silico analysis. Based on the available evidence, the clinical significance of this variant remains unclear.